The following is an entry in ClinVar:

ClinVar aggregate classification (germline): Uncertain significance (1 of 4 stars; one submission).

Submission:

CeGaT Center for Human Genetics Tuebingen
Classification: Uncertain significance. Last evaluated: 2025-09-01. Review status: criteria provided, single submitter. Criteria: CeGaT Center For Human Genetics Tuebingen Variant Classification Criteria Version 2. Collection method: clinical testing. Allele origin: germline. Affected: yes. Observed: 1 variant allele.
Comment: STAT5B: PM2

NM_012448.4(STAT5B):c.913A>G (p.Ile305Val)

Gene: STAT5B (signal transducer and activator of transcription 5B; minus strand). Cytogenetic location: 17q21.2.
Variant type: single nucleotide variant.
Coding change: c.913A>G on transcript NM_012448.4 (MANE Select); coding-DNA position 913, A replaced by G.
Protein change: p.Ile305Val; replaces isoleucine 305 with valine.
Molecular consequence: missense variant.
Genome position (GRCh38, 1-based): chr17:42,218,799, T>C on the plus strand (A>G on the coding strand, the complement: STAT5B is on the minus strand). VCF-style: chr17-42218799-T-C. GRCh37 (hg19) VCF-style: chr17-40370817-T-C.
Other names: short protein forms I305V.
Identifiers: ClinVar variation 4281348 (VCV004281348.7).